The following is an entry in ClinVar:

NM_003079.5(SMARCE1):c.775_784del (p.Phe259fs)

Gene: SMARCE1 (SWI/SNF related BAF chromatin remodeling complex subunit E1; minus strand). Cytogenetic location: 17q21.2.
Variant type: Deletion.
Coding change: c.775_784del on transcript NM_003079.5 (MANE Select); coding-DNA positions 775 to 784, 10 bases deleted (TTCCTGGAAA; older notation c.775_784delTTCCTGGAAA).
Protein change: p.Phe259fs; shifts the reading frame from phenylalanine 259.
Molecular consequence: frameshift variant.
Genome position (GRCh38, 1-based): chr17:40,631,624-40,631,633, TTTCCAGGAA deleted on the plus strand (TTCCTGGAAA on the coding strand, the reverse complement: SMARCE1 is on the minus strand); deleting any 10 consecutive bases within chr17:40,631,624-40,631,638 gives the same sequence; the c. name uses the placement nearest the transcript's 3' end. VCF-style (leftmost placement, unchanged base first): chr17-40631623-CTTTCCAGGAA-C. GRCh37 (hg19) VCF-style: chr17-38787875-CTTTCCAGGAA-C.
Other names: c.775_784del10 (NM_003079.4); short protein forms F259fs.
Identifiers: ClinVar variation 4170331 (VCV004170331.1).

ClinVar aggregate classification (germline): Pathogenic (1 of 4 stars; one submission).

Conditions:
Hereditary cancer-predisposing syndrome. Also called: Neoplastic Syndromes, Hereditary; Tumor predisposition; Hereditary Cancer Syndrome; Hereditary neoplastic syndrome. Identifiers: Orphanet 140162, MedGen C0027672, MeSH D009386, MONDO:0015356.

Submission:

Ambry Genetics
Classification: Pathogenic for Hereditary cancer-predisposing syndrome. Last evaluated: 2025-09-08. Review status: criteria provided, single submitter. Criteria: Ambry Variant Classification Scheme 2023. Collection method: clinical testing. Allele origin: germline.
Comment: The c.775_784del10 pathogenic mutation, located in coding exon 8 of the SMARCE1 gene, results from a deletion of 10 nucleotides at nucleotide positions 775 to 784, causing a translational frameshift with a predicted alternate stop codon (p.F259Afs*15). This variant is considered to be rare based on population cohorts in the Genome Aggregation Database (gnomAD). This alteration is expected to result in loss of function by premature protein truncation or nonsense-mediated mRNA decay. Loss-of-function variants in SMARCE1 are known to cause increased risk of meningiomas; however, such associations with neurodevelopmental disorders are exceedingly rare (Kosho T et al. Am J Med Genet C Semin Med Genet. 2014 Sep;166C(3):262-75; Smith JM et al. Nat Genet. 2013 Mar;45(3):295-8). Based on the supporting evidence, this alteration is pathogenic for an increased risk of meningiomas; however, the association of this alteration with Coffin-Siris syndrome is unlikely.